The following is an entry in ClinVar:

ClinVar aggregate classification (germline): Likely pathogenic (1 of 4 stars; one submission).

Submission:

Labcorp Genetics (formerly Invitae), Labcorp
Classification: Likely pathogenic. Last evaluated: 2025-04-30. Review status: criteria provided, single submitter. Criteria: Invitae Variant Classification Sherloc (09022015). Collection method: clinical testing. Allele origin: germline.
Comment: This sequence change affects an acceptor splice site in intron 15 of the PNPT1 gene. It is expected to disrupt RNA splicing. Variants that disrupt the donor or acceptor splice site typically lead to a loss of protein function (PMID: 16199547), and loss-of-function variants in PNPT1 are known to be pathogenic (PMID: 28594066, 30244537). This variant is not present in population databases (gnomAD no frequency). This variant has not been reported in the literature in individuals affected with PNPT1-related conditions. Algorithms developed to predict the effect of sequence changes on RNA splicing suggest that this variant may disrupt the consensus splice site. In summary, the currently available evidence indicates that the variant is pathogenic, but additional data are needed to prove that conclusively. Therefore, this variant has been classified as Likely Pathogenic.

Literature cited by the submitters: PubMed 16199547; PubMed 28594066; PubMed 30244537.

NM_033109.5(PNPT1):c.1285-2A>G

Gene: PNPT1 (polyribonucleotide nucleotidyltransferase 1; minus strand). Cytogenetic location: 2p16.1.
Variant type: single nucleotide variant.
Coding change: c.1285-2A>G on transcript NM_033109.5 (MANE Select); the canonical splice acceptor site of the intron before coding-DNA position 1285, A replaced by G.
Molecular consequence: splice acceptor variant.
Genome position (GRCh38, 1-based): chr2:55,656,373, T>C on the plus strand (A>G on the coding strand, the complement: PNPT1 is on the minus strand). VCF-style: chr2-55656373-T-C. GRCh37 (hg19) VCF-style: chr2-55883508-T-C.
Identifiers: ClinVar variation 4718691 (VCV004718691.1).